The following is an entry in ClinVar:

NM_002273.4(KRT8):c.1014C>T (p.Ala338=)

Gene: KRT8 (keratin 8; minus strand). Cytogenetic location: 12q13.13.
Variant type: single nucleotide variant.
Coding change: c.1014C>T on transcript NM_002273.4 (MANE Select); coding-DNA position 1014, C replaced by T.
Protein change: p.Ala338=; no amino-acid change (alanine 338 retained).
Molecular consequence: synonymous variant. On other transcripts: non-coding transcript variant (1).
Genome position (GRCh38, 1-based): chr12:52,898,867, G>A on the plus strand (C>T on the coding strand, the complement: KRT8 is on the minus strand). VCF-style: chr12-52898867-G-A. GRCh37 (hg19) VCF-style: chr12-53292651-G-A.
Other names: c.1098C>T, p.Ala366= (NM_001256282.2); c.1014C>T, p.Ala338= (NM_001256293.2).
Identifiers: ClinVar variation 3033878 (VCV003033878.2), dbSNP rs112222496, ClinGen allele CA6590374.

ClinVar aggregate classification (germline): Likely benign (0 of 4 stars; one submission).

Conditions:
KRT8-related disorder. Also called: KRT8-related condition.

Allele frequency attached by ClinVar (database versions not stated): ExAC 0.00051; gnomAD 0.00147; TOPMed 0.00180; 1000 Genomes Project 30x 0.00203; ESP Exome Variant Server 0.00208; 1000 Genomes Project 0.00220.
gnomAD v4.1: 407 of 1,613,328 alleles (0.025%); highest among the groups gnomAD compares: African/African-American, 0.47%; 1 homozygote.

Submission:

PreventionGenetics, part of Exact Sciences
Classification: Likely benign for KRT8-related condition. Last evaluated: 2019-06-11. Review status: no assertion criteria provided. Collection method: clinical testing. Allele origin: germline.
Comment: This variant is classified as likely benign based on ACMG/AMP sequence variant interpretation guidelines (Richards et al. 2015 PMID: 25741868, with internal and published modifications).